The following is an entry in ClinVar:

NM_000059.4(BRCA2):c.3443A>G (p.Gln1148Arg)

Gene: BRCA2 (BRCA2 DNA repair associated; plus strand). Cytogenetic location: 13q13.1.
Variant type: single nucleotide variant.
Coding change: c.3443A>G on transcript NM_000059.4 (MANE Select); coding-DNA position 3443, A replaced by G.
Protein change: p.Gln1148Arg; replaces glutamine 1148 with arginine.
Molecular consequence: missense variant.
Genome position (GRCh38, 1-based): chr13:32,337,798, A>G. VCF-style: chr13-32337798-A-G. GRCh37 (hg19) VCF-style: chr13-32911935-A-G.
Other names: 3671A>G; short protein forms Q1148R.
Identifiers: ClinVar variation 37841 (VCV000037841.25), dbSNP rs200808363, ClinGen allele CA018029.

ClinVar aggregate classification (germline): Conflicting classifications of pathogenicity. Review status: criteria provided, conflicting classifications (1 of 4 stars). 7 submissions from 7 submitters: Uncertain significance (4); Likely benign (2). 1 of the submissions does not count toward it. Last evaluated 2026-03-26.

Conditions:
Hereditary cancer-predisposing syndrome. Also called: Hereditary neoplastic syndrome; Neoplastic Syndromes, Hereditary; Hereditary Cancer Syndrome; Tumor predisposition. Identifiers: Orphanet 140162, MedGen C0027672, MeSH D009386, MONDO:0015356.
Hereditary breast ovarian cancer syndrome. Also called: Hereditary breast and ovarian cancer syndrome (HBOC); Breast and ovarian cancer; Hereditary breast and ovarian cancer syndrome; BRCA1- and BRCA2-Associated Hereditary Breast and Ovarian Cancer; Hereditary breast and/or ovarian cancer syndrome; Hereditary breast and ovarian cancer. Identifiers: Orphanet 145, MedGen C0677776, MeSH D061325, MONDO:0003582. Disease mechanism: loss of function.
Breast-ovarian cancer, familial, susceptibility to, 2 (BROVCA2). Also called: BRCA2 Hereditary Breast and Ovarian Cancer. Identifiers: Orphanet 145, MedGen C2675520, MONDO:0012933, OMIM 612555. Disease mechanism: loss of function.

Allele frequency attached by ClinVar (database versions not stated): gnomAD exomes below 0.00001; ExAC 0.00001; gnomAD 0.00001; 1000 Genomes Project 30x 0.00016; 1000 Genomes Project 0.00020.
gnomAD v4.1: 7 of 1,614,114 alleles (0.00043%); highest among the groups gnomAD compares: East Asian, 0.0022%; no homozygotes.

Submissions (7):

Women's Health and Genetics/Laboratory Corporation of America, LabCorp
Classification: Uncertain significance. Last evaluated: 2026-03-26. Review status: criteria provided, single submitter. Criteria: LabCorp Variant Classification Summary - May 2015. Collection method: clinical testing. Allele origin: germline.
Comment: Variant summary: BRCA2 c.3443A>G (p.Gln1148Arg) results in a conservative amino acid change located in the BRCA2 repeat region, between the first and second repeat (IPR002093) of the encoded protein sequence. Algorithms developed to predict the effect of missense changes on protein structure and function all suggest that this variant is likely to be tolerated. The variant allele was found at a frequency of 4e-06 in 251004 control chromosomes (gnomAD). The available data on variant occurrences in the general population are insufficient to allow any conclusion about variant significance. c.3443A>G has been observed in individuals affected with breast or ovarian cancer, as well as unaffected controls (Santonocito_2020, Dorling_2021). These reports do not provide unequivocal conclusions about association of the variant with Hereditary Breast And Ovarian Cancer Syndrome. Co-occurrences with other pathogenic variant(s) have been reported (BRCA1 c.3262_3277del, p.Val1088SerfsX16), providing supporting evidence for a benign role. To our knowledge, no experimental evidence demonstrating an impact on protein function has been reported. The following publications have been ascertained in the context of this evaluation (PMID: 18060494, 32438681, 33471991). ClinVar contains an entry for this variant (Variation ID: 37841). Based on the evidence outlined above, the variant was classified as uncertain significance.

Ambry Genetics
Classification: Uncertain significance for Hereditary cancer-predisposing syndrome. Last evaluated: 2025-09-29. Review status: criteria provided, single submitter. Criteria: Ambry Variant Classification Scheme 2023. Collection method: clinical testing. Allele origin: germline.
Comment: The p.Q1148R variant (also known as c.3443A>G), located in coding exon 10 of the BRCA2 gene, results from an A to G substitution at nucleotide position 3443. The glutamine at codon 1148 is replaced by arginine, an amino acid with highly similar properties. This alteration has been reported in two different breast and ovarian cancer cohorts and classified as a variant of unknown significance by the authors (Esteban Carde&ntilde;osa E et al. Breast Cancer Res Treat, 2008 Nov;112:69-73; Santonocito C et al. Cancers (Basel), 2020 May;12). In another study, this variant was reported in 2/60,466 breast cancer cases as well as 2/53,461 controls (Dorling et al. N Engl J Med. 2021 02;384:428-439). This amino acid position is not well conserved in available vertebrate species. In addition, this alteration is predicted to be tolerated by in silico analysis. Since supporting evidence is limited at this time, the clinical significance of this alteration remains unclear.

Labcorp Genetics (formerly Invitae), Labcorp
Classification: Likely benign for Hereditary breast ovarian cancer syndrome. Last evaluated: 2025-07-31. Review status: criteria provided, single submitter. Criteria: Invitae Variant Classification Sherloc (09022015). Collection method: clinical testing. Allele origin: germline.

All of Us Research Program, National Institutes of Health
Classification: Uncertain significance for Breast-ovarian cancer, familial, susceptibility to, 2. Last evaluated: 2023-10-02. Review status: criteria provided, single submitter. Criteria: ACMG Guidelines, 2015. Collection method: clinical testing. Allele origin: germline. Inheritance: Autosomal dominant inheritance. Observed: 1 variant allele, 1 heterozygote.
Comment: This study involves interpretation of variants in research participants for the purpose of population health screening. Participant phenotype was not available at the time of variant classification. Additional details can be found in publication PMID: 35346344, PMCID: PMC8962531

University of Washington Department of Laboratory Medicine, University of Washington
Classification: Likely benign for Hereditary cancer-predisposing syndrome. Last evaluated: 2023-03-23. Review status: criteria provided, single submitter. Criteria: Dines et al. (Genet Med. 2020). Collection method: curation. Allele origin: germline.
Comment: Missense variant in a coldspot region where missense variants are very unlikely to be pathogenic (PMID:31911673).

BRCA2 exon 11 coldspot. Reclassification based on statistical prior probability.

Color Diagnostics, LLC DBA Color Health
Classification: Uncertain significance for Hereditary cancer-predisposing syndrome. Last evaluated: 2019-05-04. Review status: criteria provided, single submitter. Criteria: ACMG Guidelines, 2015. Collection method: clinical testing. Allele origin: germline.

Sharing Clinical Reports Project (SCRP)
Classification: Uncertain significance for Breast-ovarian cancer, familial 2. Last evaluated: 2012-04-05. Review status: no assertion criteria provided. Collection method: clinical testing. Allele origin: germline. Not counted in ClinVar's aggregate classification.

Literature cited by the submitters: PubMed 18060494 (cited by Women's Health and Genetics/Laboratory Corporation of America, LabCorp and Ambry Genetics); PubMed 32438681 (cited by Women's Health and Genetics/Laboratory Corporation of America, LabCorp and Ambry Genetics); PubMed 33471991 (cited by Women's Health and Genetics/Laboratory Corporation of America, LabCorp and Ambry Genetics).